The following is an entry in ClinVar:

NM_001283009.2(RTEL1):c.774G>A (p.Met258Ile)

Genes: RTEL1 (regulator of telomere elongation helicase 1; plus strand), RTEL1-TNFRSF6B (RTEL1-TNFRSF6B readthrough (NMD candidate); plus strand). Cytogenetic location: 20q13.33.
Variant type: single nucleotide variant.
Coding change: c.774G>A on transcript NM_001283009.2 (MANE Select); coding-DNA position 774, G replaced by A.
Protein change: p.Met258Ile; replaces methionine 258 with isoleucine.
Molecular consequence: missense variant. On other transcripts: non-coding transcript variant (1).
Genome position (GRCh38, 1-based): chr20:63,673,948, G>A. VCF-style: chr20-63673948-G-A. GRCh37 (hg19) VCF-style: chr20-62305301-G-A.
Other names: c.105G>A, p.Met35Ile (NM_001283010.1); c.774G>A, p.Met258Ile (NM_016434.4); c.846G>A, p.Met282Ile (NM_032957.5); short protein forms M282I, M35I, M258I.
Identifiers: ClinVar variation 4157736 (VCV004157736.1).

ClinVar aggregate classification (germline): Uncertain significance (1 of 4 stars; one submission).

Conditions:
Inborn genetic diseases. Identifiers: MedGen C0950123, MeSH D030342.

gnomAD v4.1: 3 of 1,611,816 alleles (0.00019%); highest among the groups gnomAD compares: East Asian, 0.0022%; no homozygotes.

Submission:

Ambry Genetics
Classification: Uncertain significance for Inborn genetic diseases. Last evaluated: 2025-09-12. Review status: criteria provided, single submitter. Criteria: Ambry Variant Classification Scheme 2023. Collection method: clinical testing. Allele origin: germline.
Comment: The p.M258I variant (also known as c.774G>A), located in coding exon 9 of the RTEL1 gene, results from a G to A substitution at nucleotide position 774. The methionine at codon 258 is replaced by isoleucine, an amino acid with highly similar properties. This amino acid position is conserved. In addition, this alteration is predicted to be tolerated by in silico analysis. Based on the available evidence, the clinical significance of this variant remains unclear.